The following is an entry in ClinVar:

ClinVar aggregate classification (germline): Pathogenic (1 of 4 stars; one submission).

Submission:

Labcorp Genetics (formerly Invitae), Labcorp
Classification: Pathogenic. Last evaluated: 2023-03-30. Review status: criteria provided, single submitter. Criteria: Invitae Variant Classification Sherloc (09022015). Collection method: clinical testing. Allele origin: unknown.
Comment: For these reasons, this variant has been classified as Pathogenic. This variant has not been reported in the literature in individuals affected with CEP152-related conditions. This variant is a gross deletion of the genomic region encompassing exon(s) 17-19 of the CEP152 gene. This deletion is out-of-frame, and is expected to create a premature termination codon and result in an absent or disrupted protein product. Loss-of-function variants in CEP152 are known to be pathogenic (PMID: 21131973).

Literature cited by the submitters: PubMed 21131973.

NC_000015.9:g.(?_49050717)_(49059403_?)del

Gene: CEP152 (centrosomal protein 152; minus strand). Cytogenetic location: 15q21.1.
Variant type: Deletion.
Identifiers: ClinVar variation 3243887 (VCV003243887.1).